The following is an entry in ClinVar:

ClinVar aggregate classification (germline): Conflicting classifications of pathogenicity. Review status: criteria provided, conflicting classifications (1 of 4 stars). 4 submissions from 4 submitters: Uncertain significance (1); Benign (1); Likely benign (2). Last evaluated 2025-08-20.

Conditions:
Pheochromocytoma. Also called: MAX-Related Hereditary Paraganglioma-Pheochromocytoma Syndrome. Identifiers: Orphanet 29072, MedGen C0031511, MONDO:0008233, OMIM 171300, HP:0002666.
Paragangliomas with sensorineural hearing loss. Identifiers: MedGen C1868633.
Cowden syndrome 3 (CWS3). Identifiers: Orphanet 201, MedGen CN166604, MONDO:0014045.
Carney-Stratakis syndrome. Also called: PARAGANGLIOMA AND GASTROINTESTINAL STROMAL TUMOR. Identifiers: Orphanet 97286, MedGen C1847319, MONDO:0011740, OMIM 606864.
Hereditary cancer-predisposing syndrome. Also called: Tumor predisposition; Hereditary Cancer Syndrome; Hereditary neoplastic syndrome; Neoplastic Syndromes, Hereditary. Identifiers: Orphanet 140162, MedGen C0027672, MeSH D009386, MONDO:0015356.
Pheochromocytoma/paraganglioma syndrome 1. Also called: Paragangliomas 1; PARAGANGLIOMATA; Glomus tumors familial 1; Paraganglioma - glomus jugulare; SDHD-Related Hereditary Paraganglioma-Pheochromocytoma Syndrome; PARAGANGLIOMAS, FAMILIAL NONCHROMAFFIN, 1. Identifiers: Orphanet 29072, MedGen C3494181, MONDO:0008192, OMIM 168000.

Allele frequency attached by ClinVar (database versions not stated): gnomAD exomes below 0.00001.
gnomAD v4.1: 2 of 1,611,974 alleles (0.00012%); highest among the groups gnomAD compares: Non-Finnish European, 0.00017%; no homozygotes.

Submissions (4):

Ambry Genetics
Classification: Likely benign for Hereditary cancer-predisposing syndrome. Last evaluated: 2025-08-20. Review status: criteria provided, single submitter. Criteria: Ambry Variant Classification Scheme 2023. Collection method: clinical testing. Allele origin: germline.

Myriad Genetics, Inc.
Classification: Benign for Pheochromocytoma/paraganglioma syndrome 1. Last evaluated: 2025-03-18. Review status: criteria provided, single submitter. Criteria: Myriad Autosomal Dominant, Autosomal Recessive and X-Linked Classification Criteria (2023). Collection method: clinical testing. Allele origin: unknown.
Comment: This variant is considered benign. This variant is a silent/synonymous amino acid change and it is not expected to impact splicing.

Labcorp Genetics (formerly Invitae), Labcorp
Classification: Likely benign for Carney-Stratakis syndrome; Paragangliomas with sensorineural hearing loss; Pheochromocytoma; Cowden syndrome 3. Last evaluated: 2024-07-05. Review status: criteria provided, single submitter. Criteria: Invitae Variant Classification Sherloc (09022015). Collection method: clinical testing. Allele origin: germline.

CeGaT Center for Human Genetics Tuebingen
Classification: Uncertain significance. Last evaluated: 2023-02-01. Review status: criteria provided, single submitter. Criteria: CeGaT Center For Human Genetics Tuebingen Variant Classification Criteria Version 2. Collection method: clinical testing. Allele origin: germline. Affected: yes. Observed: 1 variant allele.
Comment: SDHD: PM2, PP3

NM_003002.4(SDHD):c.351G>T (p.Gly117=)

Gene: SDHD (succinate dehydrogenase complex subunit D; plus strand). Cytogenetic location: 11q23.1.
Variant type: single nucleotide variant.
Coding change: c.351G>T on transcript NM_003002.4 (MANE Select); coding-DNA position 351, G replaced by T.
Protein change: p.Gly117=; no amino-acid change (glycine 117 retained).
Molecular consequence: synonymous variant. On other transcripts: missense variant (1), 3 prime UTR variant (1), non-coding transcript variant (1).
Genome position (GRCh38, 1-based): chr11:112,094,841, G>T. VCF-style: chr11-112094841-G-T. GRCh37 (hg19) VCF-style: chr11-111965565-G-T.
Other names: c.206G>T, p.Gly69Val (NM_001276503.2); c.234G>T, p.Gly78= (NM_001276504.2); c.*49G>T (NM_001276506.2); c.351G>T (NM_003002.2); short protein forms G69V.
Identifiers: ClinVar variation 566674 (VCV000566674.32), dbSNP rs1566702512, ClinGen allele CA382618914.